The following is an entry in ClinVar:

NM_001130009.3(GEN1):c.590C>A (p.Ala197Asp)

Gene: GEN1 (GEN1 structure-specific endonuclease; plus strand). Cytogenetic location: 2p24.2.
Variant type: single nucleotide variant.
Coding change: c.590C>A on transcript NM_001130009.3 (MANE Select); coding-DNA position 590, C replaced by A.
Protein change: p.Ala197Asp; replaces alanine 197 with aspartic acid.
Molecular consequence: missense variant.
Genome position (GRCh38, 1-based): chr2:17,766,643, C>A. VCF-style: chr2-17766643-C-A. GRCh37 (hg19) VCF-style: chr2-17947910-C-A.
Other names: c.590C>A, p.Ala197Asp (NM_182625.5); short protein forms A197D.
Identifiers: ClinVar variation 4842205 (VCV004842205.1).

ClinVar aggregate classification (germline): Uncertain significance (1 of 4 stars; one submission).

Submission:

Ambry Genetics
Classification: Uncertain significance. Last evaluated: 2026-01-03. Review status: criteria provided, single submitter. Criteria: Ambry Variant Classification Scheme 2023. Collection method: clinical testing. Allele origin: germline.
Comment: The p.A197D variant (also known as c.590C>A), located in coding exon 4 of the GEN1 gene, results from a C to A substitution at nucleotide position 590. The alanine at codon 197 is replaced by aspartic acid, an amino acid with dissimilar properties. This amino acid position is conserved. In addition, this alteration is predicted to be tolerated by in silico analysis. Based on the available evidence, the clinical significance of this variant remains unclear.